The following is an entry in ClinVar:

ClinVar aggregate classification (germline): Pathogenic (1 of 4 stars; one submission).

Conditions:
Retinoblastoma (RB1). Also called: RETINOBLASTOMA, SOMATIC. Identifiers: Orphanet 790, MedGen C0035335, MeSH D012175, MONDO:0008380, OMIM 180200, HP:0009919. Disease mechanism: loss of function. Inheritance: Both sporadic and heritable forms are tested..

Submission:

Genetic Diagnostic Laboratory, University of Pennsylvania School of Medicine
Classification: Pathogenic for Retinoblastoma. Last evaluated: 2024-05-20. Review status: criteria provided, single submitter. Criteria: ACMG Guidelines, 2015. Collection method: clinical testing. Allele origin: germline. Affected: yes. Observed: 1 variant allele.
Comment: Case and Pedigree Information: BILATERAL CASES:1, UNILATERAL CASES:0, TOTAL CASES:1, PEDIGREES:1. ACMG Codes Applied:PVS1, PM2

NM_000321.3(RB1):c.221_222insAG (p.Trp75fs)

Gene: RB1 (RB transcriptional corepressor 1; plus strand). Cytogenetic location: 13q14.2.
Variant type: Insertion.
Coding change: c.221_222insAG on transcript NM_000321.3 (MANE Select); coding-DNA positions 221 to 222, AG inserted.
Protein change: p.Trp75fs; shifts the reading frame from tryptophan 75.
Molecular consequence: frameshift variant.
Genome position: GRCh38 VCF-style: chr13-48307363-C-CAG. GRCh37 (hg19) VCF-style: chr13-48881499-C-CAG.
Other names: c.221_222insAG, p.Trp75fs (NM_001407165.1, NM_001407166.1, NM_001407167.1); short protein forms W75fs.
Identifiers: ClinVar variation 3237098 (VCV003237098.1), dbSNP rs2542100268.